The following is an entry in ClinVar:

ClinVar aggregate classification (germline): Likely pathogenic (1 of 4 stars; one submission).

Submission:

Labcorp Genetics (formerly Invitae), Labcorp
Classification: Likely pathogenic. Last evaluated: 2022-05-12. Review status: criteria provided, single submitter. Criteria: Invitae Variant Classification Sherloc (09022015). Collection method: clinical testing. Allele origin: germline.
Comment: In summary, the currently available evidence indicates that the variant is pathogenic, but additional data are needed to prove that conclusively. Therefore, this variant has been classified as Likely Pathogenic. Algorithms developed to predict the effect of sequence changes on RNA splicing suggest that this variant may disrupt the consensus splice site. ClinVar contains an entry for this variant (Variation ID: 649007). This variant has not been reported in the literature in individuals affected with POLE-related conditions. This variant is not present in population databases (gnomAD no frequency). This sequence change affects an acceptor splice site in intron 23 of the POLE gene. It is expected to disrupt RNA splicing. Variants that disrupt the donor or acceptor splice site typically lead to a loss of protein function (PMID: 16199547), and loss-of-function variants in POLE are known to be pathogenic (PMID: 23230001, 25948378, 30503519).

Literature cited by the submitters: PubMed 16199547; PubMed 23230001; PubMed 25948378; PubMed 30503519.

NM_006231.4(POLE):c.2707-2A>G

Gene: POLE (DNA polymerase epsilon, catalytic subunit; minus strand). Cytogenetic location: 12q24.33.
Variant type: single nucleotide variant.
Coding change: c.2707-2A>G on transcript NM_006231.4 (MANE Select); the canonical splice acceptor site of the intron before coding-DNA position 2707, A replaced by G.
Molecular consequence: splice acceptor variant.
Genome position (GRCh38, 1-based): chr12:132,661,686, T>C on the plus strand (A>G on the coding strand, the complement: POLE is on the minus strand). VCF-style: chr12-132661686-T-C. GRCh37 (hg19) VCF-style: chr12-133238272-T-C.
Identifiers: ClinVar variation 649007 (VCV000649007.9), dbSNP rs1593777670, ClinGen allele CA387394082.